The following is an entry in ClinVar:

NM_018418.5(SPATA7):c.1197A>C (p.Gln399His)

Gene: SPATA7 (spermatogenesis associated 7; plus strand). Cytogenetic location: 14q31.3.
Variant type: single nucleotide variant.
Coding change: c.1197A>C on transcript NM_018418.5 (MANE Select); coding-DNA position 1197, A replaced by C.
Protein change: p.Gln399His; replaces glutamine 399 with histidine.
Molecular consequence: missense variant.
Genome position (GRCh38, 1-based): chr14:88,437,579, A>C. VCF-style: chr14-88437579-A-C. GRCh37 (hg19) VCF-style: chr14-88903923-A-C.
Other names: c.1101A>C, p.Gln367His (NM_001040428.4); c.1197A>C (NM_018418.4); short protein forms Q399H, Q367H.
Identifiers: ClinVar variation 2092000 (VCV002092000.5), dbSNP rs200765820, ClinGen allele CA264544813.

ClinVar aggregate classification (germline): Uncertain significance. Review status: criteria provided, multiple submitters, no conflicts (2 of 4 stars). 2 submissions from 2 submitters: Uncertain significance (2). Last evaluated 2025-06-03.

Conditions:
SPATA7-related disorder. Also called: SPATA7-related condition; SPATA7-related disorders. Identifiers: MedGen CN239422.
Leber congenital amaurosis 3 (LCA3). Also called: SPATA7-Related Retinitis Pigmentosa. Identifiers: MedGen C1858677, MONDO:0011415, OMIM 604232.

Allele frequency attached by ClinVar (database versions not stated): gnomAD exomes 0.00001.

Submissions (2):

PreventionGenetics, part of Exact Sciences
Classification: Uncertain significance for SPATA7-related condition. Last evaluated: 2025-06-03. Review status: criteria provided, single submitter. Criteria: ACMG Guidelines, 2015. Collection method: clinical testing. Allele origin: germline.
Comment: The SPATA7 c.1197A>C variant is predicted to result in the amino acid substitution p.Gln399His. To our knowledge, this variant has not been reported in the literature or in a large population database (gnomAD), indicating this variant is rare. At this time, the clinical significance of this variant is uncertain due to the absence of conclusive functional and genetic evidence.

Labcorp Genetics (formerly Invitae), Labcorp
Classification: Uncertain significance for Leber congenital amaurosis 3. Last evaluated: 2022-07-14. Review status: criteria provided, single submitter. Criteria: Invitae Variant Classification Sherloc (09022015). Collection method: clinical testing. Allele origin: germline.
Comment: This sequence change replaces glutamine, which is neutral and polar, with histidine, which is basic and polar, at codon 399 of the SPATA7 protein (p.Gln399His). This variant is not present in population databases (gnomAD no frequency). This variant has not been reported in the literature in individuals affected with SPATA7-related conditions. Algorithms developed to predict the effect of missense changes on protein structure and function are either unavailable or do not agree on the potential impact of this missense change (SIFT: "Deleterious"; PolyPhen-2: "Probably Damaging"; Align-GVGD: "Class C0"). In summary, the available evidence is currently insufficient to determine the role of this variant in disease. Therefore, it has been classified as a Variant of Uncertain Significance.